The following is an entry in ClinVar:

ClinVar aggregate classification (germline): Uncertain significance (1 of 4 stars; one submission).

Submission:

GeneDx
Classification: Uncertain significance. Last evaluated: 2022-12-31. Review status: criteria provided, single submitter. Criteria: GeneDx Variant Classification Process June 2021. Collection method: clinical testing. Allele origin: germline. Affected: yes.
Comment: Not observed at significant frequency in large population cohorts (gnomAD); In silico analysis supports that this missense variant has a deleterious effect on protein structure/function; Has not been previously published as pathogenic or benign to our knowledge

NM_152296.5(ATP1A3):c.725G>T (p.Gly242Val)

Gene: ATP1A3 (ATPase Na+/K+ transporting subunit alpha 3; minus strand). Cytogenetic location: 19q13.2.
Variant type: single nucleotide variant.
Coding change: c.725G>T on transcript NM_152296.5 (MANE Select); coding-DNA position 725, G replaced by T.
Protein change: p.Gly242Val; replaces glycine 242 with valine.
Molecular consequence: missense variant.
Genome position (GRCh38, 1-based): chr19:41,985,186, C>A on the plus strand (G>T on the coding strand, the complement: ATP1A3 is on the minus strand). VCF-style: chr19-41985186-C-A. GRCh37 (hg19) VCF-style: chr19-42489338-C-A.
Other names: c.758G>T, p.Gly253Val (NM_001256213.2); c.764G>T, p.Gly255Val (NM_001256214.2); short protein forms G242V, G253V, G255V.
Identifiers: ClinVar variation 2507359 (VCV002507359.1), dbSNP rs1555864935, ClinGen allele CA406053287.